The following is an entry in ClinVar:

NM_001283009.2(RTEL1):c.2471C>T (p.Pro824Leu)

Genes: RTEL1 (regulator of telomere elongation helicase 1; plus strand), RTEL1-TNFRSF6B (RTEL1-TNFRSF6B readthrough (NMD candidate); plus strand). Cytogenetic location: 20q13.33.
Variant type: single nucleotide variant.
Coding change: c.2471C>T on transcript NM_001283009.2 (MANE Select); coding-DNA position 2471, C replaced by T.
Protein change: p.Pro824Leu; replaces proline 824 with leucine.
Molecular consequence: missense variant. On other transcripts: non-coding transcript variant (1).
Genome position (GRCh38, 1-based): chr20:63,690,862, C>T. VCF-style: chr20-63690862-C-T. GRCh37 (hg19) VCF-style: chr20-62322215-C-T.
Other names: c.1802C>T, p.Pro601Leu (NM_001283010.1); c.2471C>T, p.Pro824Leu (NM_016434.4); c.2543C>T, p.Pro848Leu (NM_032957.5); short protein forms P824L, P848L, P601L.
Identifiers: ClinVar variation 3791084 (VCV003791084.1).

ClinVar aggregate classification (germline): Uncertain significance (1 of 4 stars; one submission).

Conditions:
Inborn genetic diseases. Identifiers: MedGen C0950123, MeSH D030342.

Submission:

Ambry Genetics
Classification: Uncertain significance for Inborn genetic diseases. Last evaluated: 2025-01-22. Review status: criteria provided, single submitter. Criteria: Ambry Variant Classification Scheme 2023. Collection method: clinical testing. Allele origin: germline.
Comment: The p.P824L variant (also known as c.2471C>T), located in coding exon 26 of the RTEL1 gene, results from a C to T substitution at nucleotide position 2471. The proline at codon 824 is replaced by leucine, an amino acid with similar properties. This amino acid position is conserved. In addition, this alteration is predicted to be tolerated by in silico analysis. Based on the available evidence, the clinical significance of this variant remains unclear.